The following is an entry in ClinVar:

ClinVar aggregate classification (germline): Uncertain significance (1 of 4 stars; one submission).

Allele frequency attached by ClinVar (database versions not stated): gnomAD 0.00001; gnomAD exomes 0.00004; ExAC 0.00005; ESP Exome Variant Server 0.00008.
gnomAD v4.1: 54 of 1,611,042 alleles (0.0034%); highest among the groups gnomAD compares: Non-Finnish European, 0.0044%; no homozygotes.

Submission:

Labcorp Genetics (formerly Invitae), Labcorp
Classification: Uncertain significance. Last evaluated: 2025-01-06. Review status: criteria provided, single submitter. Criteria: Invitae Variant Classification Sherloc (09022015). Collection method: clinical testing. Allele origin: germline.
Comment: This sequence change replaces glycine, which is neutral and non-polar, with arginine, which is basic and polar, at codon 234 of the IKZF1 protein (p.Gly234Arg). This variant is present in population databases (rs376824019, gnomAD 0.006%). This variant has not been reported in the literature in individuals affected with IKZF1-related conditions. ClinVar contains an entry for this variant (Variation ID: 1972178). An algorithm developed to predict the effect of missense changes on protein structure and function (PolyPhen-2) suggests that this variant is likely to be tolerated. In summary, the available evidence is currently insufficient to determine the role of this variant in disease. Therefore, it has been classified as a Variant of Uncertain Significance.

NM_006060.6(IKZF1):c.700G>C (p.Gly234Arg)

Gene: IKZF1 (IKAROS family zinc finger 1; plus strand). Cytogenetic location: 7p12.2.
Variant type: single nucleotide variant.
Coding change: c.700G>C on transcript NM_006060.6 (MANE Select); coding-DNA position 700, G replaced by C.
Protein change: p.Gly234Arg; replaces glycine 234 with arginine.
Molecular consequence: missense variant. On other transcripts: intron variant (9).
Genome position (GRCh38, 1-based): chr7:50,387,455, G>C. VCF-style: chr7-50387455-G-C. GRCh37 (hg19) VCF-style: chr7-50455153-G-C.
Other names: c.439G>C, p.Gly147Arg (NM_001220767.2, NM_001291838.2); c.271G>C, p.Gly91Arg (NM_001291841.1, NM_001291842.1); c.760G>C, p.Gly254Arg (NM_001410879.1); c.329-4274G>C (NM_001291839.2, NM_001220770.2); c.590-4274G>C (NM_001220765.3, NM_001291837.2); c.589+4748G>C (NM_001220768.2); c.421+10662G>C (NM_001220771.2); c.161-4274G>C (NM_001291843.1, NM_001291844.1); and 1 more; short protein forms G91R, G147R, G234R, G254R.
Identifiers: ClinVar variation 1972178 (VCV001972178.5), dbSNP rs376824019, ClinGen allele CA4261355.
Genomic context (GRCh38, chr7:50,387,455, plus strand): 5'-AGCTCTTTAGAGGAACATAAAGAGCGCTGCCACAACTACTTGGAAAGCATGGGCCTTCCG[G>C]GCACACTGTACCCAGGTAAGCGCTGCTGCTCGGAGGCCAGCCTGGTGGGCTCTCCCCCCA-3'
Protein context (NP_006051.1, residues 224-244): HNYLESMGLP[Gly234Arg]TLYPVIKEET